The following is an entry in ClinVar:

ClinVar aggregate classification (germline): Pathogenic (0 of 4 stars; one submission).

Conditions:
Fanconi anemia (FA). Also called: Fanconi's anemia. Identifiers: Orphanet 84, MedGen C0015625, MeSH D005199, MONDO:0019391.

Submission:

Department of Traditional Chinese Medicine, Fujian Provincial Hospital
Classification: Pathogenic for Fanconi anemia. Review status: no assertion criteria provided. Collection method: research. Allele origin: maternal.
Comment: CNVs assay suggested the presence of a copy number heterozygous deletion of approximately 29.7 Kb in size in the region of chromosome 16 q24.3, which ranges from the FANCA gene (NM_000135.4:Exon1-10), this mutation was considered as a pathogenic mutation according to the ACMG guidelines.

Literature cited by the submitters: DOI 10.1038/sj.ejhg.5200248.

NC_000016.9:g.(?_89865477)_(89895213_?)del

Genes: SPIRE2 (spire type actin nucleation factor 2; plus strand), FANCA (FA complementation group A; minus strand). Cytogenetic location: 16q24.3.
Variant type: Deletion.
Identifiers: ClinVar variation 3069206 (VCV003069206.1).